The following is an entry in ClinVar:

ClinVar aggregate classification (germline): Uncertain significance. Review status: criteria provided, multiple submitters, no conflicts (2 of 4 stars). 2 submissions from 2 submitters: Uncertain significance (2). Last evaluated 2025-07-31.

Submissions (2):

GeneDx
Classification: Uncertain significance. Last evaluated: 2025-07-31. Review status: criteria provided, single submitter. Criteria: GeneDx Variant Classification Process June 2021. Collection method: clinical testing. Allele origin: germline. Affected: yes.
Comment: Not observed at significant frequency in large population cohorts (gnomAD); In silico analysis suggests that this missense variant does not alter protein structure/function; Has not been previously published as pathogenic or benign to our knowledge

Labcorp Genetics (formerly Invitae), Labcorp
Classification: Uncertain significance. Last evaluated: 2022-03-23. Review status: criteria provided, single submitter. Criteria: Invitae Variant Classification Sherloc (09022015). Collection method: clinical testing. Allele origin: germline.
Comment: In summary, the available evidence is currently insufficient to determine the role of this variant in disease. Therefore, it has been classified as a Variant of Uncertain Significance. Algorithms developed to predict the effect of missense changes on protein structure and function (SIFT, PolyPhen-2, Align-GVGD) all suggest that this variant is likely to be disruptive. This variant has not been reported in the literature in individuals affected with TSPAN12-related conditions. This variant is not present in population databases (gnomAD no frequency). This sequence change replaces alanine, which is neutral and non-polar, with aspartic acid, which is acidic and polar, at codon 193 of the TSPAN12 protein (p.Ala193Asp).

NM_012338.4(TSPAN12):c.578C>A (p.Ala193Asp)

Gene: TSPAN12 (tetraspanin 12; minus strand). Cytogenetic location: 7q31.31.
Variant type: single nucleotide variant.
Coding change: c.578C>A on transcript NM_012338.4 (MANE Select); coding-DNA position 578, C replaced by A.
Protein change: p.Ala193Asp; replaces alanine 193 with aspartic acid.
Molecular consequence: missense variant.
Genome position (GRCh38, 1-based): chr7:120,806,583, G>T on the plus strand (C>A on the coding strand, the complement: TSPAN12 is on the minus strand). VCF-style: chr7-120806583-G-T. GRCh37 (hg19) VCF-style: chr7-120446637-G-T.
Other names: c.578C>A (NM_012338.3); short protein forms A193D.
Identifiers: ClinVar variation 1520483 (VCV001520483.9), dbSNP rs2116347927, ClinGen allele CA369136081.